The following is an entry in ClinVar:

NM_004422.3(DVL2):c.748-8C>T

Gene: DVL2 (dishevelled segment polarity protein 2; minus strand). Cytogenetic location: 17p13.1.
Variant type: single nucleotide variant.
Coding change: c.748-8C>T on transcript NM_004422.3 (MANE Select); 8 bases into the intron before coding-DNA position 748, C replaced by T.
Molecular consequence: intron variant.
Genome position (GRCh38, 1-based): chr17:7,229,455, G>A on the plus strand (C>T on the coding strand, the complement: DVL2 is on the minus strand). VCF-style: chr17-7229455-G-A. GRCh37 (hg19) VCF-style: chr17-7132774-G-A.
Identifiers: ClinVar variation 3035022 (VCV003035022.2), dbSNP rs201343725, ClinGen allele CA8338822.

ClinVar aggregate classification (germline): Likely benign (0 of 4 stars; one submission).

Conditions:
DVL2-related disorder. Also called: DVL2-related condition.

Allele frequency attached by ClinVar (database versions not stated): gnomAD exomes 0.00013; gnomAD 0.00019; ExAC 0.00020; ESP Exome Variant Server 0.00031.
gnomAD v4.1: 223 of 1,613,952 alleles (0.014%); highest among the groups gnomAD compares: Non-Finnish European, 0.017%; no homozygotes.

Submission:

PreventionGenetics, part of Exact Sciences
Classification: Likely benign for DVL2-related condition. Last evaluated: 2019-08-12. Review status: no assertion criteria provided. Collection method: clinical testing. Allele origin: germline.
Comment: This variant is classified as likely benign based on ACMG/AMP sequence variant interpretation guidelines (Richards et al. 2015 PMID: 25741868, with internal and published modifications).